The following is an entry in ClinVar:

ClinVar aggregate classification (germline): Uncertain significance (1 of 4 stars; one submission).

Conditions:
Hereditary sensory and autonomic neuropathy type 6. Also called: HSAN VI; Neuropathy, hereditary sensory and autonomic, type VI. Identifiers: Orphanet 314381, MedGen C3539003, MONDO:0013839, OMIM 614653.
Epidermolysis bullosa simplex 3, localized or generalized intermediate, with BP230 deficiency (EBS3). Also called: Epidermolysis bullosa simplex due to BP230 deficiency; Epidermolysis bullosa simplex, autosomal recessive 2. Identifiers: Orphanet 412181, MedGen C3809470, MONDO:0014180, OMIM 615425.

gnomAD v4.1: 11 of 1,613,854 alleles (0.00068%); highest among the groups gnomAD compares: Non-Finnish European, 0.00093%; no homozygotes.

Submission:

Labcorp Genetics (formerly Invitae), Labcorp
Classification: Uncertain significance for Epidermolysis bullosa simplex 3, localized or generalized intermediate, with BP230 deficiency; Hereditary sensory and autonomic neuropathy type 6. Last evaluated: 2022-07-13. Review status: criteria provided, single submitter. Criteria: Invitae Variant Classification Sherloc (09022015). Collection method: clinical testing. Allele origin: germline.
Comment: In summary, the available evidence is currently insufficient to determine the role of this variant in disease. Therefore, it has been classified as a Variant of Uncertain Significance. Experimental studies and prediction algorithms are not available or were not evaluated, and the functional significance of this variant is currently unknown. This variant has not been reported in the literature in individuals affected with DST-related conditions. This variant is not present in population databases (gnomAD no frequency). This sequence change replaces phenylalanine, which is neutral and non-polar, with leucine, which is neutral and non-polar, at codon 1523 of the DST protein (p.Phe1523Leu). The DST gene has multiple clinically relevant transcripts. This variant occurs in alternate transcript NM_015548.4, and corresponds to NM_001723.5:c.*21566T>G in the primary transcript.

NM_001374736.1(DST):c.12438T>G (p.Phe4146Leu)

Genes: DST (dystonin; minus strand), LOC129996656 (ATAC-STARR-seq lymphoblastoid active region 24702; plus strand). Cytogenetic location: 6p12.1.
Variant type: single nucleotide variant.
Coding change: c.12438T>G on transcript NM_001374736.1 (MANE Select); coding-DNA position 12438, T replaced by G.
Protein change: p.Phe4146Leu; replaces phenylalanine 4146 with leucine.
Molecular consequence: missense variant.
Genome position (GRCh38, 1-based): chr6:56,593,951, A>C on the plus strand (T>G on the coding strand, the complement: DST is on the minus strand). VCF-style: chr6-56593951-A-C. GRCh37 (hg19) VCF-style: chr6-56458749-A-C.
Other names: c.6081T>G, p.Phe2027Leu (NM_001144769.5); c.5667T>G, p.Phe1889Leu (NM_001144770.2); c.12438T>G, p.Phe4146Leu (NM_001374722.1); c.11805T>G, p.Phe3935Leu (NM_001374729.1); c.5547T>G, p.Phe1849Leu (NM_001374730.1, NM_001386100.1, NM_183380.4); c.12465T>G, p.Phe4155Leu (NM_001374734.1); c.4569T>G, p.Phe1523Leu (NM_015548.5); short protein forms F1523L, F2027L, F3935L, F4155L, F1849L, F1889L, F4146L.
Identifiers: ClinVar variation 2156789 (VCV002156789.4), dbSNP rs1231137625, ClinGen allele CA364526138.